The following is an entry in ClinVar:

ClinVar aggregate classification (germline): Uncertain significance. Review status: criteria provided, multiple submitters, no conflicts (2 of 4 stars). 3 submissions from 3 submitters: Uncertain significance (3). Last evaluated 2025-11-07.

Conditions:
Inborn genetic diseases. Identifiers: MedGen C0950123, MeSH D030342.
RP1-related disorder. Also called: RP1-related condition.

Allele frequency attached by ClinVar (database versions not stated): ExAC 0.00002; gnomAD exomes 0.00002 and 0.00001; TOPMed 0.00008; gnomAD 0.00010 and 0.00011; ESP Exome Variant Server 0.00015.
gnomAD v4.1: 25 of 1,613,968 alleles (0.0015%); highest among the groups gnomAD compares: African/African-American, 0.029%; no homozygotes.

Submissions (3):

PreventionGenetics, part of Exact Sciences
Classification: Uncertain significance for RP1-related condition. Last evaluated: 2025-11-07. Review status: criteria provided, single submitter. Criteria: ACMG Guidelines, 2015. Collection method: clinical testing. Allele origin: germline.
Comment: The RP1 c.4861A>G variant is predicted to result in the amino acid substitution p.Lys1621Glu. To our knowledge, this variant has not been reported in the literature. This variant is present in 0.036% of alleles in individuals of African descent in gnomAD. At this time, the clinical significance of this variant is uncertain due to the absence of conclusive functional and genetic evidence.

Ambry Genetics
Classification: Uncertain significance for Inborn genetic diseases. Last evaluated: 2025-06-10. Review status: criteria provided, single submitter. Criteria: Ambry Variant Classification Scheme 2023. Collection method: clinical testing. Allele origin: germline.

Labcorp Genetics (formerly Invitae), Labcorp
Classification: Uncertain significance. Last evaluated: 2025-03-31. Review status: criteria provided, single submitter. Criteria: Invitae Variant Classification Sherloc (09022015). Collection method: clinical testing. Allele origin: germline.
Comment: This sequence change replaces lysine, which is basic and polar, with glutamic acid, which is acidic and polar, at codon 1621 of the RP1 protein (p.Lys1621Glu). This variant is present in population databases (rs139776202, gnomAD 0.03%). This variant has not been reported in the literature in individuals affected with RP1-related conditions. ClinVar contains an entry for this variant (Variation ID: 1056646). An algorithm developed to predict the effect of missense changes on protein structure and function (PolyPhen-2) suggests that this variant is likely to be disruptive. In summary, the available evidence is currently insufficient to determine the role of this variant in disease. Therefore, it has been classified as a Variant of Uncertain Significance.

NM_006269.2(RP1):c.4861A>G (p.Lys1621Glu)

Gene: RP1 (RP1 axonemal microtubule associated; plus strand). Cytogenetic location: 8q12.1.
Variant type: single nucleotide variant.
Coding change: c.4861A>G on transcript NM_006269.2 (MANE Select); coding-DNA position 4861, A replaced by G.
Protein change: p.Lys1621Glu; replaces lysine 1621 with glutamic acid.
Molecular consequence: missense variant. On other transcripts: intron variant (1).
Genome position (GRCh38, 1-based): chr8:54,628,743, A>G. VCF-style: chr8-54628743-A-G. GRCh37 (hg19) VCF-style: chr8-55541303-A-G.
Other names: c.4861A>G (NM_006269.1); c.787+6455A>G (NM_001375654.1); short protein forms K1621E.
Identifiers: ClinVar variation 1056646 (VCV001056646.9), dbSNP rs139776202, ClinGen allele CA4751959.
Genomic context (GRCh38, chr8:54,628,743, plus strand): 5'-GAGCAGCCATATAAAACATCCAGTGATGATCCCAATGACAGTGGCGAACTTACCCAAGAG[A>G]AAGAATATAACATAGGATTTGTTAAAAGGGCAATAGAAAAACTGTACGGTAAAGCAGATA-3'
Protein context (NP_006260.1, residues 1611-1631): PNDSGELTQE[Lys1621Glu]EYNIGFVKRA